The following is an entry in ClinVar:

NM_018671.5(UNC45A):c.2421+6G>C

Genes: RCCD1-AS1 (RCCD1 and UNC45A antisense RNA 1; minus strand), UNC45A (unc-45 myosin chaperone A; plus strand). Cytogenetic location: 15q26.1.
Variant type: single nucleotide variant.
Coding change: c.2421+6G>C on transcript NM_018671.5 (MANE Select); 6 bases into the intron after coding-DNA position 2421, G replaced by C.
Molecular consequence: intron variant. On other transcripts: non-coding transcript variant (1).
Genome position (GRCh38, 1-based): chr15:90,953,052, G>C. VCF-style: chr15-90953052-G-C. GRCh37 (hg19) VCF-style: chr15-91496282-G-C.
Other names: c.2376+6G>C (NM_001039675.2, NM_001323621.2); c.2421+6G>C (NM_001323619.1); c.1986+6G>C (NM_001323620.2).
Identifiers: ClinVar variation 1355474 (VCV001355474.6), dbSNP rs2151377578, ClinGen allele CA492304567.
Genomic context (GRCh38, chr15:90,953,052, plus strand): 5'-GATGATCCGCCGGGCAGCCACGGAGTGCATGTGTAACTTGGCCATGAGCAAGGAGGTGAG[G>C]GTTGGTCTGGGTGCTCATGACAGGCGGGGATGCAGAGGTACCTGTGCCCTGGCTGGGCTT-3'

ClinVar aggregate classification (germline): Uncertain significance (1 of 4 stars; one submission).

Submission:

Labcorp Genetics (formerly Invitae), Labcorp
Classification: Uncertain significance. Last evaluated: 2021-05-20. Review status: criteria provided, single submitter. Criteria: Invitae Variant Classification Sherloc (09022015). Collection method: clinical testing. Allele origin: germline.
Comment: In summary, the available evidence is currently insufficient to determine the role of this variant in disease. Therefore, it has been classified as a Variant of Uncertain Significance. Nucleotide substitutions within the consensus splice site are a relatively common cause of aberrant splicing (PMID: 17576681, 9536098). Experimental studies and prediction algorithms are not available or were not evaluated, and the effect of this variant on mRNA splicing is currently unknown. This variant has not been reported in the literature in individuals with UNC45A-related conditions. This variant is not present in population databases (ExAC no frequency). This sequence change falls in intron 18 of the UNC45A gene. It does not directly change the encoded amino acid sequence of the UNC45A protein. It affects a nucleotide within the consensus splice site of the intron.

Literature cited by the submitters: PubMed 17576681; PubMed 9536098.